The following is an entry in ClinVar:

ClinVar aggregate classification (germline): Uncertain significance (1 of 4 stars; one submission).

Conditions:
Andersen Tawil syndrome (LQT7). Also called: ANDERSEN CARDIODYSRHYTHMIC PERIODIC PARALYSIS; LONG QT SYNDROME 7; PERIODIC PARALYSIS, POTASSIUM-SENSITIVE CARDIODYSRHYTHMIC TYPE; Andersen Syndrome; Potassium-sensitive periodic paralysis, ventricular ectopy, and dysmorphic features. Identifiers: Orphanet 37553, MedGen C1563715, MONDO:0008222, OMIM 170390.
Short QT syndrome type 3. Identifiers: Orphanet 51083, MedGen C1865018, MONDO:0012314, OMIM 609622.

Submission:

Labcorp Genetics (formerly Invitae), Labcorp
Classification: Uncertain significance for Short QT syndrome type 3; Andersen Tawil syndrome. Last evaluated: 2023-02-14. Review status: criteria provided, single submitter. Criteria: Invitae Variant Classification Sherloc (09022015). Collection method: clinical testing. Allele origin: germline.
Comment: This variant is not present in population databases (gnomAD no frequency). This sequence change replaces threonine, which is neutral and polar, with arginine, which is basic and polar, at codon 383 of the KCNJ2 protein (p.Thr383Arg). This variant has not been reported in the literature in individuals affected with KCNJ2-related conditions. Algorithms developed to predict the effect of missense changes on protein structure and function (SIFT, PolyPhen-2, Align-GVGD) all suggest that this variant is likely to be tolerated. In summary, the available evidence is currently insufficient to determine the role of this variant in disease. Therefore, it has been classified as a Variant of Uncertain Significance.

NM_000891.3(KCNJ2):c.1148C>G (p.Thr383Arg)

Gene: KCNJ2 (potassium inwardly rectifying channel subfamily J member 2; plus strand). Cytogenetic location: 17q24.3.
Variant type: single nucleotide variant.
Coding change: c.1148C>G on transcript NM_000891.3 (MANE Select); coding-DNA position 1148, C replaced by G.
Protein change: p.Thr383Arg; replaces threonine 383 with arginine.
Molecular consequence: missense variant.
Genome position (GRCh38, 1-based): chr17:70,176,187, C>G. VCF-style: chr17-70176187-C-G. GRCh37 (hg19) VCF-style: chr17-68172328-C-G.
Other names: short protein forms T383R.
Identifiers: ClinVar variation 2944273 (VCV002944273.3), dbSNP rs2509921799, ClinGen allele CA400863728.
Genomic context (GRCh38, chr17:70,176,187, plus strand): 5'-AAAAGAAATATATCCTCTCAAATGCAAATTCATTTTGCTATGAAAATGAAGTTGCCCTCA[C>G]AAGCAAAGAGGAAGACGACAGTGAAAATGGAGTTCCAGAAAGCACTAGTACGGACACGCC-3'
Protein context (NP_000882.1, residues 373-393): SFCYENEVAL[Thr383Arg]SKEEDDSENG